The following is an entry in ClinVar:

ClinVar aggregate classification (germline): Uncertain significance (1 of 4 stars; one submission).

Conditions:
Treacher Collins syndrome 1 (TCS1). Also called: TCOF1-Related Treacher Collins Syndrome. Identifiers: Orphanet 861, MedGen CN315775, MONDO:0007944, OMIM 154500.

Submission:

Labcorp Genetics (formerly Invitae), Labcorp
Classification: Uncertain significance for Treacher Collins syndrome 1. Last evaluated: 2025-08-11. Review status: criteria provided, single submitter. Criteria: Invitae Variant Classification Sherloc (09022015). Collection method: clinical testing. Allele origin: germline.
Comment: This sequence change replaces glycine, which is neutral and non-polar, with glutamic acid, which is acidic and polar, at codon 309 of the TCOF1 protein (p.Gly309Glu). The frequency data for this variant in the population databases is considered unreliable, as metrics indicate poor data quality at this position in the gnomAD database. This variant has not been reported in the literature in individuals affected with TCOF1-related conditions. An algorithm developed to predict the effect of missense changes on protein structure and function outputs the following: PolyPhen-2: "Probably Damaging". The glutamic acid amino acid residue is found in multiple mammalian species, which suggests that this missense change does not adversely affect protein function. In summary, the available evidence is currently insufficient to determine the role of this variant in disease. Therefore, it has been classified as a Variant of Uncertain Significance.

NM_001371623.1(TCOF1):c.926G>A (p.Gly309Glu)

Gene: TCOF1 (treacle ribosome biogenesis factor 1; plus strand). Cytogenetic location: 5q32.
Variant type: single nucleotide variant.
Coding change: c.926G>A on transcript NM_001371623.1 (MANE Select); coding-DNA position 926, G replaced by A.
Protein change: p.Gly309Glu; replaces glycine 309 with glutamic acid.
Molecular consequence: missense variant.
Genome position (GRCh38, 1-based): chr5:150,374,229, G>A. VCF-style: chr5-150374229-G-A. GRCh37 (hg19) VCF-style: chr5-149753792-G-A.
Other names: c.695G>A, p.Gly232Glu (NM_000356.4, NM_001135245.2, NM_001437406.1); c.926G>A, p.Gly309Glu (NM_001008657.3, NM_001135243.2, NM_001135244.2 and 1 more transcripts); short protein forms G232E, G309E.
Identifiers: ClinVar variation 4743948 (VCV004743948.1).
Genomic context (GRCh38, chr5:150,374,229, plus strand): 5'-ACCAGGTAAAGGCCTCTGAAAAAATTCTCCAGGTCAGAGCTGCCTCAGCCCCTGCCAAGG[G>A]GACCCCTGGGAAAGGGGCTACCCCAGCACCCCCTGGGAAGGCAGGGGCTGTAGCCTCCCA-3'
Protein context (NP_001358552.1, residues 299-319): QVRAASAPAK[Gly309Glu]TPGKGATPAP